The following is an entry in ClinVar:

NM_152443.3(RDH12):c.535C>G (p.His179Asp)

Genes: GPHN (gephyrin; plus strand), RDH12 (retinol dehydrogenase 12; plus strand). Cytogenetic location: 14q24.1.
Variant type: single nucleotide variant.
Coding change: c.535C>G on transcript NM_152443.3 (MANE Select); coding-DNA position 535, C replaced by G.
Protein change: p.His179Asp; replaces histidine 179 with aspartic acid.
Molecular consequence: missense variant.
Genome position (GRCh38, 1-based): chr14:67,727,067, C>G. VCF-style: chr14-67727067-C-G. GRCh37 (hg19) VCF-style: chr14-68193784-C-G.
Other names: short protein forms H179D.
Identifiers: ClinVar variation 935496 (VCV000935496.10), dbSNP rs2038195054, ClinGen allele CA390150965.

ClinVar aggregate classification (germline): Pathogenic. Review status: criteria provided, multiple submitters, no conflicts (2 of 4 stars). 2 submissions from 2 submitters: Pathogenic (2). Last evaluated 2019-09-30.

Conditions:
Leber congenital amaurosis 13 (LCA13). Identifiers: MedGen C2675186, MONDO:0012990, OMIM 612712.
RDH12-related disorder. Also called: RDH12-related condition; RDH12-related disorders.

Submissions (2):

Blueprint Genetics
Classification: Pathogenic for RDH12-related disorders. Last evaluated: 2019-09-30. Review status: criteria provided, single submitter. Criteria: ACMG Guidelines, 2015. Collection method: clinical testing. Allele origin: germline. Affected: yes. Observed: 1 variant allele.

Labcorp Genetics (formerly Invitae), Labcorp
Classification: Pathogenic for Leber congenital amaurosis 13. Last evaluated: 2019-06-22. Review status: criteria provided, single submitter. Criteria: Invitae Variant Classification Sherloc (09022015). Collection method: clinical testing. Allele origin: germline.
Comment: For these reasons, this variant has been classified as Pathogenic. This sequence change replaces histidine with aspartic acid at codon 179 of the RDH12 protein (p.His179Asp). The histidine residue is moderately conserved and there is a moderate physicochemical difference between histidine and aspartic acid. This variant is not present in population databases (ExAC no frequency). This variant has been observed to segregate with RDH12-related conditions in a family and has also been observed in several individuals affected with RDH12-related conditions (PMID: 30134391, 28471114). Algorithms developed to predict the effect of missense changes on protein structure and function (SIFT, PolyPhen-2, Align-GVGD) all suggest that this variant is likely to be tolerated, but these predictions have not been confirmed by published functional studies and their clinical significance is uncertain.

Literature cited by the submitters: PubMed 30134391 (cited by Labcorp Genetics (formerly Invitae), Labcorp); PubMed 28471114 (cited by Labcorp Genetics (formerly Invitae), Labcorp).